The following is an entry in ClinVar:

NM_000179.3(MSH6):c.3276dup (p.Gly1093fs)

Gene: MSH6 (mutS homolog 6; plus strand). Cytogenetic location: 2p16.3.
Variant type: Duplication.
Coding change: c.3276dup on transcript NM_000179.3 (MANE Select); coding-DNA position 3276, one base duplicated (A; older notation c.3276dupA).
Protein change: p.Gly1093fs; shifts the reading frame from glycine 1093.
Molecular consequence: frameshift variant.
Genome position (GRCh38, 1-based): chr2:47,803,523, A duplicated; the last of 3 consecutive A bases (chr2:47,803,521-47,803,523); duplicating any one gives the same sequence. VCF-style (leftmost placement, unchanged base first): chr2-47803520-T-TA. GRCh37 (hg19) VCF-style: chr2-48030659-T-TA.
Other names: c.2886dup, p.Gly963fs (NM_001281492.2); c.2370dup, p.Gly791fs (NM_001281493.2, NM_001281494.2); c.3276dupA (NM_000179.2); short protein forms G963fs, G791fs, G1093fs.
Identifiers: ClinVar variation 570223 (VCV000570223.8), dbSNP rs1558387361, ClinGen allele CA891843275.

ClinVar aggregate classification (germline): Pathogenic. Review status: criteria provided, multiple submitters, no conflicts (2 of 4 stars). 2 submissions from 2 submitters: Pathogenic (2). Last evaluated 2023-08-22.

Conditions:
Hereditary nonpolyposis colorectal neoplasms. Identifiers: MedGen C0009405, MeSH D003123.
Lynch syndrome 5 (LYNCH5). Also called: Hereditary non-polyposis colorectal cancer, type 5; Colorectal cancer, hereditary nonpolyposis, type 5. Identifiers: Orphanet 144, MedGen C1833477, MONDO:0013710, OMIM 614350. Disease mechanism: loss of function.

Submissions (2):

Myriad Genetics, Inc.
Classification: Pathogenic for Lynch syndrome 5. Last evaluated: 2023-08-22. Review status: criteria provided, single submitter. Criteria: Myriad Autosomal Dominant, Autosomal Recessive and X-Linked Classification Criteria (2023). Collection method: clinical testing. Allele origin: unknown.
Comment: This variant is considered pathogenic. This variant creates a frameshift predicted to result in premature protein truncation.

Labcorp Genetics (formerly Invitae), Labcorp
Classification: Pathogenic for Hereditary nonpolyposis colorectal neoplasms. Last evaluated: 2018-02-17. Review status: criteria provided, single submitter. Criteria: Invitae Variant Classification Sherloc (09022015). Collection method: clinical testing. Allele origin: germline.
Comment: For these reasons, this variant has been classified as Pathogenic. Loss-of-function variants in MSH6 are known to be pathogenic (PMID: 18269114, 24362816). This variant has not been reported in the literature in individuals with MSH6-related disease. This variant is not present in population databases (ExAC no frequency). This sequence change creates a premature translational stop signal (p.Gly1093Argfs*15) in the MSH6 gene. It is expected to result in an absent or disrupted protein product.

Literature cited by the submitters: PubMed 18269114 (cited by Labcorp Genetics (formerly Invitae), Labcorp); PubMed 24362816 (cited by Labcorp Genetics (formerly Invitae), Labcorp).